The following is an entry in ClinVar:

NM_213599.3(ANO5):c.2282A>G (p.Tyr761Cys)

Gene: ANO5 (anoctamin 5; plus strand). Cytogenetic location: 11p14.3.
Variant type: single nucleotide variant.
Coding change: c.2282A>G on transcript NM_213599.3 (MANE Select); coding-DNA position 2282, A replaced by G.
Protein change: p.Tyr761Cys; replaces tyrosine 761 with cysteine.
Molecular consequence: missense variant.
Genome position (GRCh38, 1-based): chr11:22,274,615, A>G. VCF-style: chr11-22274615-A-G. GRCh37 (hg19) VCF-style: chr11-22296161-A-G.
Other names: c.2279A>G, p.Tyr760Cys (NM_001142649.2); c.2240A>G, p.Tyr747Cys (NM_001410963.1); c.2237A>G, p.Tyr746Cys (NM_001410964.1); c.2204A>G, p.Tyr735Cys (NM_001441294.1); c.2201A>G, p.Tyr734Cys (NM_001441295.1); c.2189A>G, p.Tyr730Cys (NM_001441296.1); c.2162A>G, p.Tyr721Cys (NM_001441297.1); c.2126A>G, p.Tyr709Cys (NM_001441298.1); and 4 more; short protein forms Y735C, Y747C, Y599C, Y615C, Y746C, Y708C, Y709C, Y721C.
Identifiers: ClinVar variation 4789401 (VCV004789401.1).

ClinVar aggregate classification (germline): Uncertain significance (1 of 4 stars; one submission).

Conditions:
Gnathodiaphyseal dysplasia (GDD). Also called: GNATHODIAPHYSEAL SCLEROSIS; OSTEOGENESIS IMPERFECTA WITH UNUSUAL SKELETAL LESIONS. Identifiers: Orphanet 53697, MedGen C1833736, MONDO:0008151, OMIM 166260.
Autosomal recessive limb-girdle muscular dystrophy type 2L (LGMDR12). Also called: Limb-girdle muscular dystrophy, type 2L; MUSCULAR DYSTROPHY, LIMB-GIRDLE, AUTOSOMAL RECESSIVE 12; Limb-Girdle Muscular Dystrophy R12 Anoctamin-5-Related (LGMD-R12). Identifiers: Orphanet 206549, MedGen C1969785, MONDO:0012652, OMIM 611307.

Submission:

Labcorp Genetics (formerly Invitae), Labcorp
Classification: Uncertain significance for Autosomal recessive limb-girdle muscular dystrophy type 2L; Gnathodiaphyseal dysplasia. Last evaluated: 2025-04-18. Review status: criteria provided, single submitter. Criteria: Invitae Variant Classification Sherloc (09022015). Collection method: clinical testing. Allele origin: germline.
Comment: This sequence change replaces tyrosine, which is neutral and polar, with cysteine, which is neutral and slightly polar, at codon 761 of the ANO5 protein (p.Tyr761Cys). This variant is not present in population databases (gnomAD no frequency). This variant has not been reported in the literature in individuals affected with ANO5-related conditions. Invitae Evidence Modeling of protein sequence and biophysical properties (such as structural, functional, and spatial information, amino acid conservation, physicochemical variation, residue mobility, and thermodynamic stability) indicates that this missense variant is expected to disrupt ANO5 protein function with a positive predictive value of 95%. In summary, the available evidence is currently insufficient to determine the role of this variant in disease. Therefore, it has been classified as a Variant of Uncertain Significance.